The following is an entry in ClinVar:

ClinVar aggregate classification (germline): Benign (0 of 4 stars; one submission).

Conditions:
KIF26B-related disorder. Also called: KIF26B-related condition.

Allele frequency attached by ClinVar (database versions not stated): 1000 Genomes Project 30x 0.01530; 1000 Genomes Project 0.01677; TOPMed 0.03503; gnomAD 0.04081; ESP Exome Variant Server 0.04151; gnomAD exomes 0.05584; ExAC 0.06280.
gnomAD v4.1: 86,274 of 1,594,734 alleles (5.4%); highest among the groups gnomAD compares: Non-Finnish European, 6.2%; 2,734 homozygotes.

Submission:

PreventionGenetics, part of Exact Sciences
Classification: Benign for KIF26B-related condition. Last evaluated: 2019-03-11. Review status: no assertion criteria provided. Collection method: clinical testing. Allele origin: germline.
Comment: This variant is classified as benign based on ACMG/AMP sequence variant interpretation guidelines (Richards et al. 2015 PMID: 25741868, with internal and published modifications).

NM_018012.4(KIF26B):c.3057G>A (p.Pro1019=)

Gene: KIF26B (kinesin family member 26B; plus strand). Cytogenetic location: 1q44.
Variant type: single nucleotide variant.
Coding change: c.3057G>A on transcript NM_018012.4 (MANE Select); coding-DNA position 3057, G replaced by A.
Protein change: p.Pro1019=; no amino-acid change (proline 1019 retained).
Molecular consequence: synonymous variant.
Genome position (GRCh38, 1-based): chr1:245,686,040, G>A. VCF-style: chr1-245686040-G-A. GRCh37 (hg19) VCF-style: chr1-245849342-G-A.
Identifiers: ClinVar variation 3060001 (VCV003060001.2), dbSNP rs116705728, ClinGen allele CA1488153.